The following is an entry in ClinVar:

NR_001566.3(TERC):n.313_319dup

Genes: TERC (telomerase RNA component; minus strand), LOC110806306 (telomerase RNA component (TERC) promoter; plus strand). Cytogenetic location: 3q26.2.
Variant type: Duplication.
Genome position: GRCh38 VCF-style: chr3-169764740-G-GGCTGACA. GRCh37 (hg19) VCF-style: chr3-169482528-G-GGCTGACA.
Identifiers: ClinVar variation 1695928 (VCV001695928.1), dbSNP rs2474262070, ClinGen allele CA2580069062.

ClinVar aggregate classification (germline): Likely risk allele (0 of 4 stars; one submission).

Conditions:
Pulmonary fibrosis. Identifiers: MedGen C0034069, MONDO:0002771, HP:0002206.

Submission:

Garcia Pulmonary Genetics Research Laboratory, Columbia University Irving Medical Center
Classification: Likely risk allele for Pulmonary fibrosis. Last evaluated: 2022-06-09. Review status: no assertion criteria provided. Collection method: research. Allele origin: germline. Affected: yes.
Comment: Leukocyte telomere length (by qPCR) less than 10th percentile age-adjusted